The following is an entry in ClinVar:

ClinVar aggregate classification (germline): Uncertain significance (1 of 4 stars; one submission).

Conditions:
Inborn genetic diseases. Identifiers: MedGen C0950123, MeSH D030342.

gnomAD v4.1: 1 of 1,614,182 alleles (0.000062%); highest among the groups gnomAD compares: Non-Finnish European, 0.000085%; no homozygotes.

Submission:

Ambry Genetics
Classification: Uncertain significance for Inborn genetic diseases. Last evaluated: 2026-03-19. Review status: criteria provided, single submitter. Criteria: Ambry Variant Classification Scheme 2023. Collection method: clinical testing. Allele origin: germline.
Comment: The c.2237A>T (p.K746I) alteration is located in exon 14 (coding exon 11) of the WHSC1 gene. This alteration results from a A to T substitution at nucleotide position 2237, causing the lysine (K) at amino acid position 746 to be replaced by an isoleucine (I). Based on data from gnomAD, the T allele has an overall frequency of <0.001% (1/251400) total alleles studied. The highest observed frequency was 0.001% (1/113680) of European (non-Finnish) alleles. Based on insufficient or conflicting evidence, the clinical significance of this alteration remains unclear.

NM_001042424.3(NSD2):c.2237A>T (p.Lys746Ile)

Gene: NSD2 (nuclear receptor binding SET domain protein 2; plus strand). Cytogenetic location: 4p16.3.
Variant type: single nucleotide variant.
Coding change: c.2237A>T on transcript NM_001042424.3 (MANE Select); coding-DNA position 2237, A replaced by T.
Protein change: p.Lys746Ile; replaces lysine 746 with isoleucine.
Molecular consequence: missense variant. On other transcripts: intron variant (1).
Genome position (GRCh38, 1-based): chr4:1,953,423, A>T. VCF-style: chr4-1953423-A-T. GRCh37 (hg19) VCF-style: chr4-1955150-A-T.
Other names: c.2237A>T, p.Lys746Ile (NM_001440892.1, NM_001440894.1, NM_001440895.1 and 3 more transcripts); c.2336A>T, p.Lys779Ile (NM_001440893.1); c.2030A>T, p.Lys677Ile (NM_001440897.1, NM_001440898.1); c.1268A>T, p.Lys423Ile (NM_001440899.1, NM_001440900.1); c.2137+1192A>T (NM_001440896.1); short protein forms K423I, K677I, K746I, K779I.
Identifiers: ClinVar variation 4861213 (VCV004861213.1).